The following is an entry in ClinVar:

NM_014254.3(RXYLT1):c.744-1del

Gene: RXYLT1 (ribitol xylosyltransferase 1; plus strand). Cytogenetic location: 12q14.2.
Variant type: Deletion.
Coding change: c.744-1del on transcript NM_014254.3 (MANE Select); the canonical splice acceptor site of the intron before coding-DNA position 744, one base deleted (G; older notation c.744-1delG).
Molecular consequence: splice acceptor variant.
Genome position (GRCh38, 1-based): chr12:63,805,233, G deleted. VCF-style (leftmost placement, unchanged base first): chr12-63805232-AG-A. GRCh37 (hg19) VCF-style: chr12-64199012-AG-A.
Other names: c.-37-1del (NM_001278237.2).
Identifiers: ClinVar variation 2829457 (VCV002829457.3), dbSNP rs2500526185, ClinGen allele CA2739272130.

ClinVar aggregate classification (germline): Likely pathogenic (1 of 4 stars; one submission).

Submission:

Labcorp Genetics (formerly Invitae), Labcorp
Classification: Likely pathogenic. Last evaluated: 2023-01-17. Review status: criteria provided, single submitter. Criteria: Invitae Variant Classification Sherloc (09022015). Collection method: clinical testing. Allele origin: germline.
Comment: In summary, the currently available evidence indicates that the variant is pathogenic, but additional data are needed to prove that conclusively. Therefore, this variant has been classified as Likely Pathogenic. Algorithms developed to predict the effect of sequence changes on RNA splicing suggest that this variant may disrupt the consensus splice site. This variant has not been reported in the literature in individuals affected with RXYLT1-related conditions. This variant is not present in population databases (gnomAD no frequency). This sequence change affects a splice site in intron 4 of the RXYLT1 gene. It is expected to disrupt RNA splicing. Variants that disrupt the donor or acceptor splice site typically lead to a loss of protein function (PMID: 16199547), and loss-of-function variants in RXYLT1 are known to be pathogenic (PMID: 23217329, 23519211, 31742715).

Literature cited by the submitters: PubMed 16199547; PubMed 23217329; PubMed 23519211; PubMed 31742715.